The following is an entry in ClinVar:

ClinVar aggregate classification (germline): Uncertain significance (1 of 4 stars; one submission).

Conditions:
Hereditary cancer-predisposing syndrome. Also called: Tumor predisposition; Neoplastic Syndromes, Hereditary; Hereditary neoplastic syndrome; Hereditary Cancer Syndrome. Identifiers: Orphanet 140162, MedGen C0027672, MeSH D009386, MONDO:0015356.

Submission:

Ambry Genetics
Classification: Uncertain significance for Hereditary cancer-predisposing syndrome. Last evaluated: 2025-08-27. Review status: criteria provided, single submitter. Criteria: Ambry Variant Classification Scheme 2023. Collection method: clinical testing. Allele origin: germline.
Comment: The p.S412A variant (also known as c.1234T>G), located in coding exon 13 of the MUTYH gene, results from a T to G substitution at nucleotide position 1234. The serine at codon 412 is replaced by alanine, an amino acid with similar properties. This amino acid position is conserved. In addition, this alteration is predicted to be tolerated by in silico analysis. Based on the available evidence, the clinical significance of this variant remains unclear.

NM_001048174.2(MUTYH):c.1150T>G (p.Ser384Ala)

Gene: MUTYH (mutY DNA glycosylase; minus strand). Cytogenetic location: 1p34.1.
Variant type: single nucleotide variant.
Coding change: c.1150T>G on transcript NM_001048174.2 (MANE Select); coding-DNA position 1150, T replaced by G.
Protein change: p.Ser384Ala; replaces serine 384 with alanine.
Molecular consequence: missense variant. On other transcripts: non-coding transcript variant (7).
Genome position (GRCh38, 1-based): chr1:45,331,509, A>C on the plus strand (T>G on the coding strand, the complement: MUTYH is on the minus strand). VCF-style: chr1-45331509-A-C. GRCh37 (hg19) VCF-style: chr1-45797181-A-C.
Other names: c.1153T>G, p.Ser385Ala (NM_001407078.1, NM_001407086.1, NM_001048172.2 and 1 more transcripts); c.1111T>G, p.Ser371Ala (NM_001407079.1); c.1108T>G, p.Ser370Ala (NM_001407080.1); c.1150T>G, p.Ser384Ala (NM_001407081.1, NM_001407088.1, NM_001407089.1 and 6 more transcripts); c.805T>G, p.Ser269Ala (NM_001407082.1, NM_001350650.2, NM_001350651.2); c.1192T>G, p.Ser398Ala (NM_001407083.1, NM_001407085.1); c.1171T>G, p.Ser391Ala (NM_001407087.1); c.874T>G, p.Ser292Ala (NM_001407091.1, NM_001293192.2, NM_001293196.2); and 5 more; short protein forms S356A, S370A, S384A, S391A, S395A, S399A, S292A, S371A.
Identifiers: ClinVar variation 4113113 (VCV004113113.1).